The following is an entry in ClinVar:

ClinVar aggregate classification (germline): Likely benign (1 of 4 stars; one submission).

Conditions:
Familial cancer of breast. Also called: Hereditary breast cancer; hereditary breast carcinoma; BREAST CANCER, FAMILIAL. Identifiers: Orphanet 227535, MedGen C0346153, MONDO:0016419, OMIM 114480. Disease mechanism: loss of function.

Submission:

Myriad Genetics, Inc.
Classification: Likely benign for Familial cancer of breast. Last evaluated: 2025-01-09. Review status: criteria provided, single submitter. Criteria: Myriad Autosomal Dominant, Autosomal Recessive and X-Linked Classification Criteria (2023). Collection method: clinical testing. Allele origin: unknown.
Comment: This variant is considered likely benign. This variant is intronic and is not expected to impact mRNA splicing.

NM_024675.4(PALB2):c.48+9G>C

Gene: PALB2 (partner and localizer of BRCA2; minus strand). Cytogenetic location: 16p12.2.
Variant type: single nucleotide variant.
Coding change: c.48+9G>C on transcript NM_024675.4 (MANE Select); 9 bases into the intron after coding-DNA position 48, G replaced by C.
Molecular consequence: intron variant. On other transcripts: 5 prime UTR variant (2).
Genome position (GRCh38, 1-based): chr16:23,641,101, C>G on the plus strand (G>C on the coding strand, the complement: PALB2 is on the minus strand). VCF-style: chr16-23641101-C-G. GRCh37 (hg19) VCF-style: chr16-23652422-C-G.
Other names: c.-1687G>C (NM_001407304.1, NM_001407310.1); c.-838+26G>C (NM_001407308.1, NM_001407306.1); c.48+9G>C (NM_001407314.1, NM_001407296.1, NM_001407297.1 and 5 more transcripts); c.-105+9G>C (NM_001407313.1, NM_001407312.1); c.-972+9G>C (NM_001407307.1, NM_001407309.1, NM_001407311.1 and 1 more transcripts).
Identifiers: ClinVar variation 3904496 (VCV003904496.1).
Genomic context (GRCh38, chr16:23,641,101, plus strand): 5'-AAGCCAGGCCTAAAACCCTGGGAAAGCGGGGTCAGAGTCCTGCGTCCGCCCTTCCCGCAC[C>G]CCCGGCACCTTTTCCTTCTCCTCACAGCTGAGGGGCTTCCCGGGAGGCTCGTCCATCGGG-3'